The following is an entry in ClinVar:

ClinVar aggregate classification (germline): Uncertain significance (0 of 4 stars; one submission).

Conditions:
RAI1-related disorder. Also called: RAI1-related condition.

Submissions (2):

PreventionGenetics, part of Exact Sciences
Classification: Uncertain significance for RAI1-related condition. Last evaluated: 2023-10-18. Review status: no assertion criteria provided. Collection method: clinical testing. Allele origin: germline.
Comment: The RAI1 c.-148G>T variant is located in the 5' untranslated region. However, this exon is non-coding. To our knowledge, this variant has not been reported in the literature or in a large population database, indicating this variant is rare. At this time, the clinical significance of this variant is uncertain due to the absence of conclusive functional and genetic evidence.

Dr. Peter K. Rogan Lab, Western University
No classification provided (evidence only). Condition: Ovarian serous cystadenocarcinoma. Review status: no classification provided. Collection method: in vitro. Allele origin: not applicable. Functional consequence: retained intron. Not counted in ClinVar's aggregate classification.

NM_030665.4(RAI1):c.-148G>T

Gene: RAI1 (retinoic acid induced 1; plus strand). Cytogenetic location: 17p11.2.
Variant type: single nucleotide variant.
Coding change: c.-148G>T on transcript NM_030665.4 (MANE Select); 148 bases upstream of the start codon, G replaced by T.
Molecular consequence: 5 prime UTR variant.
Genome position (GRCh38, 1-based): chr17:17,724,028, G>T. VCF-style: chr17-17724028-G-T. GRCh37 (hg19) VCF-style: chr17-17627342-G-T.
Other names: NC_000017.10:g.17627342G>T.
Identifiers: ClinVar variation 3357338 (VCV003357338.2).